The following is an entry in ClinVar:

NM_001378183.1(PIEZO2):c.5967T>A (p.His1989Gln)

Gene: PIEZO2 (piezo type mechanosensitive ion channel component 2; minus strand). Cytogenetic location: 18p11.22.
Variant type: single nucleotide variant.
Coding change: c.5967T>A on transcript NM_001378183.1 (MANE Select); coding-DNA position 5967, T replaced by A.
Protein change: p.His1989Gln; replaces histidine 1989 with glutamine.
Molecular consequence: missense variant.
Genome position (GRCh38, 1-based): chr18:10,705,368, A>T on the plus strand (T>A on the coding strand, the complement: PIEZO2 is on the minus strand). VCF-style: chr18-10705368-A-T. GRCh37 (hg19) VCF-style: chr18-10705366-A-T.
Other names: c.5703T>A, p.His1901Gln (NM_001410871.1); c.5628T>A, p.His1876Gln (NM_022068.4); short protein forms H1876Q, H1901Q, H1989Q.
Identifiers: ClinVar variation 2904191 (VCV002904191.3), dbSNP rs762032787, ClinGen allele CA8892290.

ClinVar aggregate classification (germline): Uncertain significance (1 of 4 stars; one submission).

Allele frequency attached by ClinVar (database versions not stated): TOPMed 0.00005; ExAC 0.00026; gnomAD exomes 0.00003; gnomAD 0.00004.
gnomAD v4.1: 44 of 1,536,548 alleles (0.0029%); highest among the groups gnomAD compares: Non-Finnish European, 0.0038%; no homozygotes.

Submission:

Labcorp Genetics (formerly Invitae), Labcorp
Classification: Uncertain significance. Last evaluated: 2025-10-02. Review status: criteria provided, single submitter. Criteria: Invitae Variant Classification Sherloc (09022015). Collection method: clinical testing. Allele origin: germline.
Comment: This sequence change replaces histidine, which is basic and polar, with glutamine, which is neutral and polar, at codon 1876 of the PIEZO2 protein (p.His1876Gln). This variant is present in population databases (rs762032787, gnomAD 0.01%). This variant has not been reported in the literature in individuals affected with PIEZO2-related conditions. ClinVar contains an entry for this variant (Variation ID: 2904191). Invitae Evidence Modeling of protein sequence and biophysical properties (such as structural, functional, and spatial information, amino acid conservation, physicochemical variation, residue mobility, and thermodynamic stability) indicates that this missense variant is not expected to disrupt PIEZO2 protein function with a negative predictive value of 80%. In summary, the available evidence is currently insufficient to determine the role of this variant in disease. Therefore, it has been classified as a Variant of Uncertain Significance.